The following is an entry in ClinVar:

ClinVar aggregate classification (germline): Uncertain significance (1 of 4 stars; one submission).

Conditions:
FMN2-related disorder. Also called: FMN2-related condition.

Submission:

PreventionGenetics, part of Exact Sciences
Classification: Uncertain significance for FMN2-related condition. Last evaluated: 2025-12-23. Review status: criteria provided, single submitter. Criteria: ACMG Guidelines, 2015. Collection method: clinical testing. Allele origin: germline.
Comment: The FMN2 c.635_637delAGC variant is predicted to result in an in-frame deletion (p.Gln212del). To our knowledge, this variant has not been reported in the literature. This variant is reported in 0.046% of alleles in individuals of Latino descent in gnomAD. At this time, the clinical significance of this variant is uncertain due to the absence of conclusive functional and genetic evidence.

NM_020066.5(FMN2):c.617AGC[6] (p.Gln212del)

Gene: FMN2 (formin 2; plus strand). Cytogenetic location: 1q43.
Variant type: Microsatellite.
Coding change: c.617AGC[6] on transcript NM_020066.5 (MANE Select); six copies in a row of the 3-base unit AGC starting at c.617; the reference has seven copies in a row; one copy, 3 bases deleted.
Protein change: p.Gln212del; deletes glutamine 212.
Molecular consequence: inframe deletion.
Genome position (GRCh38, 1-based): chr1:240,092,744-240,092,746, AGC deleted; deleting any 3 consecutive bases within chr1:240,092,724-240,092,746 gives the same sequence; the position shown is the placement nearest the transcript's 3' end. VCF-style (leftmost placement, unchanged base first): chr1-240092723-TGCA-T. GRCh37 (hg19) VCF-style: chr1-240256023-TGCA-T.
Other names: c.617AGC[6], p.Gln212del (NM_001305424.2, NM_001348094.2); short protein forms Q212del.
Identifiers: ClinVar variation 4992665 (VCV004992665.1).
Genomic context (GRCh38, chr1:240,092,723, plus strand): 5'-GCTTCCATTCGGCTACGGAGCAAGAGGATTTGCTTTCAGACATCCAGCAGGCGATCCGCC[TGCA>T]GCAGCAGCAGCAGCAGCAGCTCCAGCTCCAGCTCCAGCAACAGCAGCAGCAGCAGCAGCT-3'